The following is an entry in ClinVar:

NM_007078.3(LDB3):c.1640G>A (p.Arg547Gln)

Gene: LDB3 (LIM domain binding 3; plus strand). Cytogenetic location: 10q23.2.
Variant type: single nucleotide variant.
Coding change: c.1640G>A on transcript NM_007078.3 (MANE Select); coding-DNA position 1640, G replaced by A.
Protein change: p.Arg547Gln; replaces arginine 547 with glutamine.
Molecular consequence: missense variant.
Genome position (GRCh38, 1-based): chr10:86,716,735, G>A. VCF-style: chr10-86716735-G-A. GRCh37 (hg19) VCF-style: chr10-88476492-G-A.
Other names: c.1310G>A, p.Arg437Gln (NM_001080114.2); c.1655G>A, p.Arg552Gln (NM_001171610.2); c.1451G>A, p.Arg484Gln (NM_001368064.1, NM_001368065.1); c.1499G>A, p.Arg500Gln (NM_001368066.1); c.1640G>A (NM_007078.2); short protein forms R547Q, R552Q, R484Q, R500Q, R437Q.
Identifiers: ClinVar variation 532934 (VCV000532934.12), dbSNP rs201968826, ClinGen allele CA5585195.

ClinVar aggregate classification (germline): Conflicting classifications of pathogenicity. Review status: criteria provided, conflicting classifications (1 of 4 stars). 4 submissions from 4 submitters: Uncertain significance (3); Likely benign (1). Last evaluated 2025-06-18.

Conditions:
Dilated cardiomyopathy 1C (CMD1C). Also called: CARDIOMYOPATHY, DILATED, 1C, WITH OR WITHOUT LEFT VENTRICULAR NONCOMPACTION; Cardiomyopathy, dilated, 1C, with or without LVNC. Identifiers: Orphanet 154, Orphanet 54260, MedGen C1832244, MONDO:0011094, OMIM 601493.
Myofibrillar myopathy 4. Also called: Zaspopathy (type). Identifiers: Orphanet 98912, MedGen C4721886, MONDO:0012277, OMIM 609452.

Allele frequency attached by ClinVar (database versions not stated): TOPMed 0.00002; gnomAD exomes 0.00004 and 0.00007; gnomAD 0.00007 and 0.00003; ExAC 0.00010.
gnomAD v4.1: 68 of 1,612,868 alleles (0.0042%); highest among the groups gnomAD compares: Admixed American, 0.0067%; no homozygotes.

Submissions (4):

Labcorp Genetics (formerly Invitae), Labcorp
Classification: Uncertain significance for Myofibrillar myopathy 4. Last evaluated: 2025-06-18. Review status: criteria provided, single submitter. Criteria: Invitae Variant Classification Sherloc (09022015). Collection method: clinical testing. Allele origin: germline.
Comment: The LDB3 gene has multiple clinically relevant transcripts. This variant occurs in alternate transcript NM_007078.3, and corresponds to NM_001080116.1:c.*17361G>A in the primary transcript. This sequence change replaces arginine, which is basic and polar, with glutamine, which is neutral and polar, at codon 547 of the LDB3 protein (p.Arg547Gln). This variant is present in population databases (rs201968826, gnomAD 0.01%). This missense change has been observed in individual(s) with hypertrophic cardiomyopathy (PMID: 36452351). Experimental studies and prediction algorithms are not available or were not evaluated, and the functional significance of this variant is currently unknown. In summary, the available evidence is currently insufficient to determine the role of this variant in disease. Therefore, it has been classified as a Variant of Uncertain Significance.

Athena Diagnostics
Classification: Likely benign. Last evaluated: 2025-03-31. Review status: criteria provided, single submitter. Criteria: Athena Diagnostics Criteria. Collection method: clinical testing. Allele origin: unknown.
Comment: The frequency of this variant in the general population is higher than would generally be expected for pathogenic variants in this gene.

GeneDx
Classification: Uncertain significance. Last evaluated: 2022-03-16. Review status: criteria provided, single submitter. Criteria: GeneDx Variant Classification Process June 2021. Collection method: clinical testing. Allele origin: germline. Affected: yes.
Comment: In silico analysis supports that this missense variant has a deleterious effect on protein structure/function; Has not been previously published as pathogenic or benign to our knowledge

Clinical Genomics Laboratory, Stanford Medicine
Classification: Uncertain significance for Dilated cardiomyopathy 1C; Myofibrillar myopathy 4. Last evaluated: 2021-12-20. Review status: criteria provided, single submitter. Criteria: ACMG Guidelines, 2015. Collection method: clinical testing. Allele origin: germline. Observed: 1 variant allele, 1 heterozygote.
Comment: The p.Arg547Gln variant in the LDB3 gene has not been previously reported in association with disease.The LDB3 gene has multiple clinically relevant transcripts. This variant is also referred to as c.*17361 in NM_001080116.1 and p.Arg552Gln in NM_001171610.1.This variant has been identified in 12/111,390 European (non-Finnish) chromosomes by the Genome Aggregation Database. Computational tools predict that this variant does not impact protein function; however, the accuracy of in silico algorithms is limited. These data were assessed using the ACMG/AMP variant interpretation guidelines. In summary, the significance of the p.Arg547Gln variant is uncertain. Additional information is needed to resolve the significance of this variant. [ACMG evidence codes used: none]

Literature cited by the submitters: PubMed 36452351 (cited by Labcorp Genetics (formerly Invitae), Labcorp and Athena Diagnostics).